The following is an entry in ClinVar:

NM_002076.4(GNS):c.115G>A (p.Gly39Arg)

Gene: GNS (glucosamine (N-acetyl)-6-sulfatase; minus strand). Cytogenetic location: 12q14.3.
Variant type: single nucleotide variant.
Coding change: c.115G>A on transcript NM_002076.4 (MANE Select); coding-DNA position 115, G replaced by A.
Protein change: p.Gly39Arg; replaces glycine 39 with arginine.
Molecular consequence: missense variant.
Genome position (GRCh38, 1-based): chr12:64,759,162, C>T on the plus strand (G>A on the coding strand, the complement: GNS is on the minus strand). VCF-style: chr12-64759162-C-T. GRCh37 (hg19) VCF-style: chr12-65152942-C-T.
Other names: short protein forms G39R.
Identifiers: ClinVar variation 2039309 (VCV002039309.1), dbSNP rs766442530, ClinGen allele CA6670046.

ClinVar aggregate classification (germline): Uncertain significance (1 of 4 stars; one submission).

Conditions:
Mucopolysaccharidosis, MPS-III-D (MPS3D). Also called: N-ACETYLGLUCOSAMINE-6-SULFATASE DEFICIENCY; SANFILIPPO SYNDROME D; MPS III D; Mucopoly-saccharidosis type 3D; N-acetylglucosamine-6-sulfate sulfatase deficiency; MPS 3D. Identifiers: Orphanet 581, Orphanet 79272, MedGen C0086650, MONDO:0009658, OMIM 252940.

Allele frequency attached by ClinVar (database versions not stated): ExAC 0.00005.
gnomAD v4.1: 18 of 1,554,674 alleles (0.0012%); highest among the groups gnomAD compares: Middle Eastern, 0.022%; no homozygotes.

Submission:

Labcorp Genetics (formerly Invitae), Labcorp
Classification: Uncertain significance for Mucopolysaccharidosis, MPS-III-D. Last evaluated: 2021-11-04. Review status: criteria provided, single submitter. Criteria: Invitae Variant Classification Sherloc (09022015). Collection method: clinical testing. Allele origin: germline.
Comment: This sequence change replaces glycine, which is neutral and non-polar, with arginine, which is basic and polar, at codon 39 of the GNS protein (p.Gly39Arg). The frequency data for this variant in the population databases is considered unreliable, as metrics indicate poor data quality at this position in the gnomAD database. This variant has not been reported in the literature in individuals affected with GNS-related conditions. Algorithms developed to predict the effect of missense changes on protein structure and function output the following: SIFT: "Tolerated"; PolyPhen-2: "Benign"; Align-GVGD: "Class C0". The arginine amino acid residue is found in multiple mammalian species, which suggests that this missense change does not adversely affect protein function. Algorithms developed to predict the effect of sequence changes on RNA splicing suggest that this variant may create or strengthen a splice site. In summary, the available evidence is currently insufficient to determine the role of this variant in disease. Therefore, it has been classified as a Variant of Uncertain Significance.